The following is an entry in ClinVar:

ClinVar aggregate classification (germline): Likely benign. Review status: criteria provided, multiple submitters, no conflicts (2 of 4 stars). 3 submissions from 3 submitters: Likely benign (3). Last evaluated 2024-12-06.

Conditions:
BEST1-related disorder. Also called: BEST1-related condition; BEST1-related disorders. Identifiers: MedGen CN239200.

Allele frequency attached by ClinVar (database versions not stated): gnomAD exomes 0.00028; ExAC 0.00046.
gnomAD v4.1: 406 of 1,518,246 alleles (0.027%); highest among the groups gnomAD compares: Non-Finnish European, 0.032%; no homozygotes.

Submissions (3):

PreventionGenetics, part of Exact Sciences
Classification: Likely benign for BEST1-related condition. Last evaluated: 2024-12-06. Review status: criteria provided, single submitter. Criteria: ACMG Guidelines, 2015. Collection method: clinical testing. Allele origin: germline.
Comment: This variant is classified as likely benign based on ACMG/AMP sequence variant interpretation guidelines (Richards et al. 2015 PMID: 25741868, with internal and published modifications).

CeGaT Center for Human Genetics Tuebingen
Classification: Likely benign. Last evaluated: 2023-03-01. Review status: criteria provided, single submitter. Criteria: CeGaT Center For Human Genetics Tuebingen Variant Classification Criteria Version 2. Collection method: clinical testing. Allele origin: germline. Affected: yes. Observed: 1 variant allele.
Comment: BEST1: BP4, BP7

Blueprint Genetics
Classification: Likely benign. Last evaluated: 2022-12-01. Review status: criteria provided, single submitter. Criteria: ACMG Guidelines, 2015. Collection method: clinical testing. Allele origin: germline.

NM_004183.4(BEST1):c.867+177G>A

Gene: BEST1 (bestrophin 1; plus strand). Cytogenetic location: 11q12.3.
Variant type: single nucleotide variant.
Coding change: c.867+177G>A on transcript NM_004183.4 (MANE Select); 177 bases into the intron after coding-DNA position 867, G replaced by A.
Molecular consequence: intron variant. On other transcripts: synonymous variant (1), 5 prime UTR variant (1), non-coding transcript variant (1).
Genome position (GRCh38, 1-based): chr11:61,958,475, G>A. VCF-style: chr11-61958475-G-A. GRCh37 (hg19) VCF-style: chr11-61725947-G-A.
Other names: c.1044G>A (NM_001363592.1); c.1044G>A, p.Ser348= (NM_001363592.2); c.-132G>A (NM_001363593.3); c.867+177G>A (NM_001440571.1, NM_001440572.1); c.714+1011G>A (NM_001440573.1); c.687+177G>A (NM_001139443.3, NM_001300787.2, NM_001440574.1 and 1 more transcripts); c.534+1011G>A (NM_001440575.1, NM_001440576.1); c.549+177G>A (NM_001363591.3).
Identifiers: ClinVar variation 2641839 (VCV002641839.26), dbSNP rs762222926, ClinGen allele CA6040904.
Genomic context (GRCh38, chr11:61,958,475, plus strand): 5'-CCAGGCGTGGTGGCGCACACCTGTAATCCCAGCTACTCGGGAGGCTGAGGCAGGAGAATC[G>A]CTTGAACCCGGGAGGCGGAGGTTGTGGTGAGTTGAGATCGTGCCACTGCACTCCAGCCTG-3'